The following is an entry in ClinVar:

ClinVar aggregate classification (germline): Likely benign. Review status: criteria provided, multiple submitters, no conflicts (2 of 4 stars). 9 submissions from 9 submitters: Likely benign (9). Last evaluated 2026-01-19.

Conditions:
MYBPC3-related disorder. Also called: MYBPC3-related disorders; MYBPC3-related condition; MYBPC3-related disease.
Cardiovascular phenotype. Identifiers: MedGen CN230736.
Cardiomyopathy (CMYO). Also called: Cardiomyopathies. Identifiers: Orphanet 167848, MedGen C0878544, MONDO:0004994, HP:0001638. Inheritance: Various modes of inheritance.
Hypertrophic cardiomyopathy. Also called: HYPERTROPHIC MYOCARDIOPATHY. Identifiers: Orphanet 217569, MedGen C0007194, MeSH D002312, MONDO:0005045, HP:0001639.

Allele frequency attached by ClinVar (database versions not stated): ExAC 0.00002; gnomAD exomes 0.00002; gnomAD 0.00003; TOPMed 0.00005.

Submissions (9):

Labcorp Genetics (formerly Invitae), Labcorp
Classification: Likely benign for Hypertrophic cardiomyopathy. Last evaluated: 2026-01-19. Review status: criteria provided, single submitter. Criteria: Invitae Variant Classification Sherloc (09022015). Collection method: clinical testing. Allele origin: germline.

CeGaT Center for Human Genetics Tuebingen
Classification: Likely benign. Last evaluated: 2025-11-01. Review status: criteria provided, single submitter. Criteria: CeGaT Center For Human Genetics Tuebingen Variant Classification Criteria Version 2. Collection method: clinical testing. Allele origin: germline. Affected: yes. Observed: 1 variant allele.
Comment: MYBPC3: BP4, BP7

Women's Health and Genetics/Laboratory Corporation of America, LabCorp
Classification: Likely benign. Last evaluated: 2025-09-08. Review status: criteria provided, single submitter. Criteria: LabCorp Variant Classification Summary - May 2015. Collection method: clinical testing. Allele origin: germline.

PreventionGenetics, part of Exact Sciences
Classification: Likely benign for MYBPC3-related condition. Last evaluated: 2025-07-08. Review status: criteria provided, single submitter. Criteria: ACMG Guidelines, 2015. Collection method: clinical testing. Allele origin: germline.
Comment: This variant is classified as likely benign based on ACMG/AMP sequence variant interpretation guidelines (Richards et al. 2015 PMID: 25741868, with internal and published modifications).

All of Us Research Program, National Institutes of Health
Classification: Likely benign for Hypertrophic cardiomyopathy. Last evaluated: 2023-12-01. Review status: criteria provided, single submitter. Criteria: ACMG Guidelines, 2015. Collection method: clinical testing. Allele origin: germline. Inheritance: Autosomal dominant inheritance. Observed: 5 variant alleles, 5 heterozygotes.
Comment: This study involves interpretation of variants in research participants for the purpose of population health screening. Participant phenotype was not available at the time of variant classification. Additional details can be found in publication PMID: 35346344, PMCID: PMC8962531

ARUP Laboratories, Molecular Genetics and Genomics, ARUP Laboratories
Classification: Likely benign. Last evaluated: 2021-07-21. Review status: criteria provided, single submitter. Criteria: ARUP Molecular Germline Variant Investigation Process 2021. Collection method: clinical testing. Allele origin: germline.

Blueprint Genetics
Classification: Likely benign. Last evaluated: 2021-07-08. Review status: criteria provided, single submitter. Criteria: ACMG Guidelines, 2015. Collection method: clinical testing. Allele origin: germline.

Color Diagnostics, LLC DBA Color Health
Classification: Likely benign for Cardiomyopathy. Last evaluated: 2019-12-23. Review status: criteria provided, single submitter. Criteria: ACMG Guidelines, 2015. Collection method: clinical testing. Allele origin: germline.

Ambry Genetics
Classification: Likely benign for Cardiovascular phenotype. Last evaluated: 2019-05-24. Review status: criteria provided, single submitter. Criteria: Ambry Variant Classification Scheme 2023. Collection method: clinical testing. Allele origin: germline.

NM_000256.3(MYBPC3):c.2211G>A (p.Thr737=)

Gene: MYBPC3 (myosin binding protein C3; minus strand). Cytogenetic location: 11p11.2.
Variant type: single nucleotide variant.
Coding change: c.2211G>A on transcript NM_000256.3 (MANE Select); coding-DNA position 2211, G replaced by A.
Protein change: p.Thr737=; no amino-acid change (threonine 737 retained).
Molecular consequence: synonymous variant.
Genome position (GRCh38, 1-based): chr11:47,338,617, C>T on the plus strand (G>A on the coding strand, the complement: MYBPC3 is on the minus strand). VCF-style: chr11-47338617-C-T. GRCh37 (hg19) VCF-style: chr11-47360168-C-T.
Other names: c.2211G>A, p.Thr737= (LRG_386t1).
Identifiers: ClinVar variation 525108 (VCV000525108.31), dbSNP rs113265977, ClinGen allele CA078590.